The following is an entry in ClinVar:

ClinVar aggregate classification (germline): Likely benign. Review status: criteria provided, single submitter (1 of 4 stars). 2 submissions from 2 submitters: Likely benign (1). 1 of the submissions does not count toward it. Last evaluated 2025-03-02.

Conditions:
Inborn genetic diseases. Identifiers: MedGen C0950123, MeSH D030342.
ASXL1-related disorder. Also called: ASXL1-related disorders; ASXL1-related condition.

gnomAD v4.1: 8 of 1,613,588 alleles (0.0005%); highest among the groups gnomAD compares: African/African-American, 0.0013%; no homozygotes.

Submissions (2):

Ambry Genetics
Classification: Likely benign for Inborn genetic diseases. Last evaluated: 2025-03-02. Review status: criteria provided, single submitter. Criteria: Ambry Variant Classification Scheme 2023. Collection method: clinical testing. Allele origin: germline.

PreventionGenetics, part of Exact Sciences
Classification: Likely benign for ASXL1-related condition. Last evaluated: 2024-08-30. Review status: no assertion criteria provided. Collection method: clinical testing. Allele origin: germline. Not counted in ClinVar's aggregate classification.
Comment: This variant is classified as likely benign based on ACMG/AMP sequence variant interpretation guidelines (Richards et al. 2015 PMID: 25741868, with internal and published modifications).

NM_015338.6(ASXL1):c.225T>G (p.Pro75=)

Gene: ASXL1 (ASXL transcriptional regulator 1; plus strand). Cytogenetic location: 20q11.21.
Variant type: single nucleotide variant.
Coding change: c.225T>G on transcript NM_015338.6 (MANE Select); coding-DNA position 225, T replaced by G.
Protein change: p.Pro75=; no amino-acid change (proline 75 retained).
Molecular consequence: synonymous variant.
Genome position (GRCh38, 1-based): chr20:32,369,096, T>G. VCF-style: chr20-32369096-T-G. GRCh37 (hg19) VCF-style: chr20-30956899-T-G.
Other names: c.225T>G, p.Pro75= (NM_001164603.1); c.195T>G, p.Pro65= (NM_001363734.1).
Identifiers: ClinVar variation 3356612 (VCV003356612.2).
Genomic context (GRCh38, chr20:32,369,096, plus strand): 5'-CCTCAATGCTATGCTACATTCCAATTCAAGAGGAGGAGAGGGGTTGTTTTATAAACTGCC[T>G]GGCCGAATCAGCCTTTTCACGCTCAAGGTAAGTGATATGAACTCTCTTTTGGTGCAGTGA-3'
Protein context (NP_056153.2, residues 65-85): RGGEGLFYKL[Pro75=]GRISLFTLKK